The following is an entry in ClinVar:

NM_015978.3(TNNI3K):c.1760G>A (p.Arg587His)

Genes: FPGT-TNNI3K (FPGT-TNNI3K readthrough; plus strand), TNNI3K (TNNI3 interacting kinase; plus strand). Cytogenetic location: 1p31.1.
Variant type: single nucleotide variant.
Coding change: c.1760G>A on transcript NM_015978.3 (MANE Select); coding-DNA position 1760, G replaced by A.
Protein change: p.Arg587His; replaces arginine 587 with histidine.
Molecular consequence: missense variant.
Genome position (GRCh38, 1-based): chr1:74,370,380, G>A. VCF-style: chr1-74370380-G-A. GRCh37 (hg19) VCF-style: chr1-74836064-G-A.
Other names: c.2063G>A, p.Arg688His (NM_001112808.3, NM_001199327.2); short protein forms R587H, R688H.
Identifiers: ClinVar variation 1479238 (VCV001479238.7), dbSNP rs775511228, ClinGen allele CA24545929.

ClinVar aggregate classification (germline): Uncertain significance. Review status: criteria provided, multiple submitters, no conflicts (2 of 4 stars). 2 submissions from 2 submitters: Uncertain significance (2). Last evaluated 2025-12-08.

Allele frequency attached by ClinVar (database versions not stated): TOPMed below 0.00001; gnomAD 0.00001; gnomAD exomes 0.00002.
gnomAD v4.1: 25 of 1,605,498 alleles (0.0016%); highest among the groups gnomAD compares: Non-Finnish European, 0.0019%; 1 homozygote.

Submissions (2):

Labcorp Genetics (formerly Invitae), Labcorp
Classification: Uncertain significance. Last evaluated: 2025-12-08. Review status: criteria provided, single submitter. Criteria: Invitae Variant Classification Sherloc (09022015). Collection method: clinical testing. Allele origin: germline.
Comment: This sequence change replaces arginine, which is basic and polar, with histidine, which is basic and polar, at codon 587 of the TNNI3K protein (p.Arg587His). This variant is not present in population databases (gnomAD no frequency). This variant has not been reported in the literature in individuals affected with TNNI3K-related conditions. ClinVar contains an entry for this variant (Variation ID: 1479238). Invitae Evidence Modeling of protein sequence and biophysical properties (such as structural, functional, and spatial information, amino acid conservation, physicochemical variation, residue mobility, and thermodynamic stability) indicates that this missense variant is expected to disrupt TNNI3K protein function with a positive predictive value of 80%. In summary, the available evidence is currently insufficient to determine the role of this variant in disease. Therefore, it has been classified as a Variant of Uncertain Significance.

Blueprint Genetics
Classification: Uncertain significance. Last evaluated: 2024-06-04. Review status: criteria provided, single submitter. Criteria: ACMG Guidelines, 2015. Collection method: clinical testing. Allele origin: germline.